The following is an entry in ClinVar:

ClinVar aggregate classification (germline): Likely benign. Review status: criteria provided, single submitter (1 of 4 stars). 2 submissions from 2 submitters: Likely benign (1). 1 of the submissions does not count toward it. Last evaluated 2023-11-10.

Conditions:
SEMA3A-related disorder. Also called: SEMA3A-related condition.

Allele frequency attached by ClinVar (database versions not stated): gnomAD 0.00001; gnomAD exomes 0.00001; TOPMed 0.00001; ExAC 0.00002; 1000 Genomes Project 30x 0.00016; 1000 Genomes Project 0.00020.
gnomAD v4.1: 14 of 1,612,856 alleles (0.00087%); highest among the groups gnomAD compares: East Asian, 0.0089%; no homozygotes.

Submissions (2):

Labcorp Genetics (formerly Invitae), Labcorp
Classification: Likely benign. Last evaluated: 2023-11-10. Review status: criteria provided, single submitter. Criteria: Invitae Variant Classification Sherloc (09022015). Collection method: clinical testing. Allele origin: germline.

PreventionGenetics, part of Exact Sciences
Classification: Likely benign for SEMA3A-related condition. Last evaluated: 2022-09-09. Review status: no assertion criteria provided. Collection method: clinical testing. Allele origin: germline. Not counted in ClinVar's aggregate classification.
Comment: This variant is classified as likely benign based on ACMG/AMP sequence variant interpretation guidelines (Richards et al. 2015 PMID: 25741868, with internal and published modifications).

NM_006080.3(SEMA3A):c.1404T>C (p.Thr468=)

Gene: SEMA3A (semaphorin 3A; minus strand). Cytogenetic location: 7q21.11.
Variant type: single nucleotide variant.
Coding change: c.1404T>C on transcript NM_006080.3 (MANE Select); coding-DNA position 1404, T replaced by C.
Protein change: p.Thr468=; no amino-acid change (threonine 468 retained).
Molecular consequence: synonymous variant.
Genome position (GRCh38, 1-based): chr7:84,002,003, A>G on the plus strand (T>C on the coding strand, the complement: SEMA3A is on the minus strand). VCF-style: chr7-84002003-A-G. GRCh37 (hg19) VCF-style: chr7-83631319-A-G.
Identifiers: ClinVar variation 2975246 (VCV002975246.5), dbSNP rs117178023, ClinGen allele CA4322750.